The following is an entry in ClinVar:

ClinVar aggregate classification (germline): Uncertain significance. Review status: criteria provided, multiple submitters, no conflicts (2 of 4 stars). 2 submissions from 2 submitters: Uncertain significance (2). Last evaluated 2024-12-16.

Conditions:
Schimke immuno-osseous dysplasia (SIOD). Also called: Schimke Immunoosseous Dysplasia. Identifiers: Orphanet 1830, MedGen C0877024, MONDO:0009458, OMIM 242900.

Allele frequency attached by ClinVar (database versions not stated): gnomAD exomes below 0.00001.
gnomAD v4.1: 5 of 1,614,186 alleles (0.00031%); highest among the groups gnomAD compares: East Asian, 0.0045%; no homozygotes.

Submissions (2):

Labcorp Genetics (formerly Invitae), Labcorp
Classification: Uncertain significance for Schimke immuno-osseous dysplasia. Last evaluated: 2024-12-16. Review status: criteria provided, single submitter. Criteria: Invitae Variant Classification Sherloc (09022015). Collection method: clinical testing. Allele origin: germline.
Comment: This sequence change replaces leucine, which is neutral and non-polar, with valine, which is neutral and non-polar, at codon 535 of the SMARCAL1 protein (p.Leu535Val). This variant is not present in population databases (gnomAD no frequency). This variant has not been reported in the literature in individuals affected with SMARCAL1-related conditions. ClinVar contains an entry for this variant (Variation ID: 1469088). Invitae Evidence Modeling of protein sequence and biophysical properties (such as structural, functional, and spatial information, amino acid conservation, physicochemical variation, residue mobility, and thermodynamic stability) indicates that this missense variant is not expected to disrupt SMARCAL1 protein function with a negative predictive value of 80%. Algorithms developed to predict the effect of sequence changes on RNA splicing suggest that this variant may disrupt the consensus splice site. In summary, the available evidence is currently insufficient to determine the role of this variant in disease. Therefore, it has been classified as a Variant of Uncertain Significance.

GeneDx
Classification: Uncertain significance. Last evaluated: 2024-10-04. Review status: criteria provided, single submitter. Criteria: GeneDx Variant Classification Process June 2021. Collection method: clinical testing. Allele origin: germline. Affected: yes.
Comment: Not observed at significant frequency in large population cohorts (gnomAD); In silico analysis supports a deleterious effect on splicing; In silico analysis indicates that this missense variant does not alter protein structure/function; Has not been previously published as pathogenic or benign to our knowledge

NM_014140.4(SMARCAL1):c.1603T>G (p.Leu535Val)

Gene: SMARCAL1 (SNF2 related chromatin remodeling annealing helicase 1; plus strand). Cytogenetic location: 2q35.
Variant type: single nucleotide variant.
Coding change: c.1603T>G on transcript NM_014140.4 (MANE Select); coding-DNA position 1603, T replaced by G.
Protein change: p.Leu535Val; replaces leucine 535 with valine.
Molecular consequence: missense variant.
Genome position (GRCh38, 1-based): chr2:216,435,455, T>G. VCF-style: chr2-216435455-T-G. GRCh37 (hg19) VCF-style: chr2-217300178-T-G.
Other names: c.1603T>G, p.Leu535Val (NM_001127207.2); c.1603T>G (NM_014140.3); short protein forms L535V.
Identifiers: ClinVar variation 1469088 (VCV001469088.5), dbSNP rs978339577, ClinGen allele CA65598436.
Genomic context (GRCh38, chr2:216,435,455, plus strand): 5'-GGGAAGGACCGCCTGACAGCTGGCCTGATCAACATTGTCAGCTTTGACCTTCTTAGCAAG[T>G]TGGAAAAACAGCTAAAAACCCCTTTTAAAGTTGTCATCATTGTAAGAAACTTGGCAAAGT-3'
Protein context (NP_054859.2, residues 525-545): NIVSFDLLSK[Leu535Val]EKQLKTPFKV